The following is an entry in ClinVar:

ClinVar aggregate classification (germline): Uncertain significance (1 of 4 stars; one submission).

Conditions:
Ehlers-Danlos syndrome, classic type, 1 (EDSCL1). Also called: EHLERS-DANLOS SYNDROME, GRAVIS TYPE; EHLERS-DANLOS SYNDROME, SEVERE CLASSIC TYPE; Ehlers-Danlos syndrome, type 1; Ehlers-Danlos Syndrome, Classic Type, COL5A1-Related; EDS I. Identifiers: MedGen C0268335, MONDO:0019567, OMIM 130000.

gnomAD v4.1: 3 of 1,613,974 alleles (0.00019%); highest among the groups gnomAD compares: African/African-American, 0.0013%; no homozygotes.

Submission:

Labcorp Genetics (formerly Invitae), Labcorp
Classification: Uncertain significance for Ehlers-Danlos syndrome, classic type, 1. Last evaluated: 2024-03-31. Review status: criteria provided, single submitter. Criteria: Invitae Variant Classification Sherloc (09022015). Collection method: clinical testing. Allele origin: germline.
Comment: This sequence change replaces histidine, which is basic and polar, with arginine, which is basic and polar, at codon 1269 of the COL5A2 protein (p.His1269Arg). This variant is not present in population databases (gnomAD no frequency). This variant has not been reported in the literature in individuals affected with COL5A2-related conditions. Advanced modeling of protein sequence and biophysical properties (such as structural, functional, and spatial information, amino acid conservation, physicochemical variation, residue mobility, and thermodynamic stability) performed at Invitae indicates that this missense variant is not expected to disrupt COL5A2 protein function with a negative predictive value of 80%. In summary, the available evidence is currently insufficient to determine the role of this variant in disease. Therefore, it has been classified as a Variant of Uncertain Significance.

NM_000393.5(COL5A2):c.3806A>G (p.His1269Arg)

Gene: COL5A2 (collagen type V alpha 2 chain; minus strand). Cytogenetic location: 2q32.2.
Variant type: single nucleotide variant.
Coding change: c.3806A>G on transcript NM_000393.5 (MANE Select); coding-DNA position 3806, A replaced by G.
Protein change: p.His1269Arg; replaces histidine 1269 with arginine.
Molecular consequence: missense variant.
Genome position (GRCh38, 1-based): chr2:189,039,391, T>C on the plus strand (A>G on the coding strand, the complement: COL5A2 is on the minus strand). VCF-style: chr2-189039391-T-C. GRCh37 (hg19) VCF-style: chr2-189904117-T-C.
Other names: short protein forms H1269R.
Identifiers: ClinVar variation 3609393 (VCV003609393.2).